The following is an entry in ClinVar:

ClinVar aggregate classification (germline): Pathogenic (1 of 4 stars; one submission).

Conditions:
Chromosome 2q37 deletion syndrome (BDMR). Also called: ALBRIGHT HEREDITARY OSTEODYSTROPHY-LIKE SYNDROME; 2q37 microdeletion syndrome; Chromosome 2, monosomy 2q37; Monosomy 2q37; Deletion 2q37. Identifiers: Orphanet 1001, MedGen C2931817, MONDO:0010886, OMIM 600430.

Submission:

Applied Translational Genetics Group, University of Auckland
Classification: Pathogenic for Chromosome 2q37 deletion syndrome. Last evaluated: 2025-10-08. Review status: criteria provided, single submitter. Criteria: ACMG Guidelines, 2015. Collection method: research. Allele origin: de novo. Inheritance: Autosomal dominant inheritance. Affected: yes. Observed: 1 heterozygote.
Comment: This variant is a terminal deletion of the long arm of chromosome 2; 2q37. With regards to the ACMG Guidelines: this deletion overlaps 23 different genes that have previously been established as haploinsuffient or LoF-sensitive (2A (+1.00)), includes >35 RefSeq protein-coding genes (73 genes, 3C (+0.90)), and there is evidence from public case-control data to show an significant enrichment in cases (22 ClinVar entries with 80% overlap reported at Pathological or Likely Pathological, 4L (+0.15)). In summary, this variant meets criteria to be classified as pathogenic for Chromosome 2q37 Deletion Syndrome based on the ACMG/AMP criteria applied: 2A (+1.00), 3C (+0.90), 4L (+0.15)

Literature cited by the submitters: PubMed 7847374; PubMed 20691407; PubMed 25329715; PubMed 40756852.

GRCh37/hg19 2q37.1(chr2:233832301-233833236)x1

Gene: NGEF (neuronal guanine nucleotide exchange factor; minus strand). Cytogenetic location: 2q37.1.
Variant type: copy number loss.
Change: copy number 1 (one copy instead of two) of chr2:233,832,301-233,833,236 (0.9 kb, GRCh37 coordinates, 1-based), cytogenetic band 2q37.1.
Identifiers: ClinVar variation 4280594 (VCV004280594.1).